The following is an entry in ClinVar:

ClinVar aggregate classification (germline): Uncertain significance (1 of 4 stars; one submission).

Conditions:
DYRK1A-related intellectual disability syndrome (MRD7). Also called: DYRK1A Syndrome; Intellectual developmental disorder, autosomal dominant 7. Identifiers: Orphanet 464306, MedGen C5568143, MONDO:0013578, OMIM 614104.

Submission:

Labcorp Genetics (formerly Invitae), Labcorp
Classification: Uncertain significance for DYRK1A-related intellectual disability syndrome. Last evaluated: 2021-06-19. Review status: criteria provided, single submitter. Criteria: Invitae Variant Classification Sherloc (09022015). Collection method: clinical testing. Allele origin: germline.
Comment: This variant is not present in population databases (ExAC no frequency). In summary, the available evidence is currently insufficient to determine the role of this variant in disease. Therefore, it has been classified as a Variant of Uncertain Significance. Advanced modeling of protein sequence and biophysical properties (such as structural, functional, and spatial information, amino acid conservation, physicochemical variation, residue mobility, and thermodynamic stability) performed at Invitae indicates that this missense variant is not expected to disrupt DYRK1A protein function. This variant has not been reported in the literature in individuals with DYRK1A-related conditions. This sequence change replaces methionine with isoleucine at codon 655 of the DYRK1A protein (p.Met655Ile). The methionine residue is highly conserved and there is a small physicochemical difference between methionine and isoleucine.

NM_001347721.2(DYRK1A):c.1938G>T (p.Met646Ile)

Gene: DYRK1A (dual specificity tyrosine phosphorylation regulated kinase 1A; plus strand). Cytogenetic location: 21q22.13.
Variant type: single nucleotide variant.
Coding change: c.1938G>T on transcript NM_001347721.2 (MANE Select); coding-DNA position 1938, G replaced by T.
Protein change: p.Met646Ile; replaces methionine 646 with isoleucine.
Molecular consequence: missense variant. On other transcripts: 3 prime UTR variant (2).
Genome position (GRCh38, 1-based): chr21:37,512,204, G>T. VCF-style: chr21-37512204-G-T. GRCh37 (hg19) VCF-style: chr21-38884507-G-T.
Other names: c.1938G>T, p.Met646Ile (NM_001347722.2, NM_130436.2); c.1851G>T, p.Met617Ile (NM_001347723.2); c.1965G>T, p.Met655Ile (NM_001396.5); c.*341G>T (NM_101395.2); c.*250G>T (NM_130438.2); short protein forms M655I, M646I, M617I.
Identifiers: ClinVar variation 1362397 (VCV001362397.8), dbSNP rs2053772977, ClinGen allele CA409939923.